The following is an entry in ClinVar:

ClinVar aggregate classification (germline): Uncertain significance. Review status: criteria provided, multiple submitters, no conflicts (2 of 4 stars). 2 submissions from 2 submitters: Uncertain significance (2). Last evaluated 2024-12-20.

Allele frequency attached by ClinVar (database versions not stated): gnomAD exomes below 0.00001.
gnomAD v4.1: 7 of 1,612,634 alleles (0.00043%); highest among the groups gnomAD compares: Middle Eastern, 0.05%; no homozygotes.

Submissions (2):

Ambry Genetics
Classification: Uncertain significance. Last evaluated: 2024-12-20. Review status: criteria provided, single submitter. Criteria: Ambry Variant Classification Scheme 2023. Collection method: clinical testing. Allele origin: germline.
Comment: The p.K163E variant (also known as c.487A>G), located in coding exon 4 of the RINT1 gene, results from an A to G substitution at nucleotide position 487. The lysine at codon 163 is replaced by glutamic acid, an amino acid with similar properties. This amino acid position is conserved. In addition, this alteration is predicted to be tolerated by in silico analysis. Since supporting evidence is limited at this time, the clinical significance of this alteration remains unclear.

Labcorp Genetics (formerly Invitae), Labcorp
Classification: Uncertain significance. Last evaluated: 2023-10-28. Review status: criteria provided, single submitter. Criteria: Invitae Variant Classification Sherloc (09022015). Collection method: clinical testing. Allele origin: germline.
Comment: This sequence change replaces lysine, which is basic and polar, with glutamic acid, which is acidic and polar, at codon 163 of the RINT1 protein (p.Lys163Glu). This variant is present in population databases (no rsID available, gnomAD no frequency). This variant has not been reported in the literature in individuals affected with RINT1-related conditions. ClinVar contains an entry for this variant (Variation ID: 1743758). An algorithm developed to predict the effect of missense changes on protein structure and function (PolyPhen-2) suggests that this variant is likely to be tolerated. In summary, the available evidence is currently insufficient to determine the role of this variant in disease. Therefore, it has been classified as a Variant of Uncertain Significance.

NM_021930.6(RINT1):c.487A>G (p.Lys163Glu)

Gene: RINT1 (RAD50 interactor 1; plus strand). Cytogenetic location: 7q22.3.
Variant type: single nucleotide variant.
Coding change: c.487A>G on transcript NM_021930.6 (MANE Select); coding-DNA position 487, A replaced by G.
Protein change: p.Lys163Glu; replaces lysine 163 with glutamic acid.
Molecular consequence: missense variant. On other transcripts: 5 prime UTR variant (3), non-coding transcript variant (1).
Genome position (GRCh38, 1-based): chr7:105,542,621, A>G. VCF-style: chr7-105542621-A-G. GRCh37 (hg19) VCF-style: chr7-105183068-A-G.
Other names: c.253A>G, p.Lys85Glu (NM_001346599.2); c.-533A>G (NM_001346600.2); c.-436A>G (NM_001346601.2); c.-56A>G (NM_001346603.2); short protein forms K163E, K85E.
Identifiers: ClinVar variation 1743758 (VCV001743758.6), dbSNP rs1370547057, ClinGen allele CA368803892.